The following is an entry in ClinVar:

NM_001365536.1(SCN9A):c.2503C>T (p.Arg835Ter)

Genes: SCN1A-AS1 (SCN1A and SCN9A antisense RNA 1; plus strand), SCN9A (sodium voltage-gated channel alpha subunit 9; minus strand). Cytogenetic location: 2q24.3.
Variant type: single nucleotide variant.
Coding change: c.2503C>T on transcript NM_001365536.1 (MANE Select); coding-DNA position 2503, C replaced by T.
Protein change: p.Arg835Ter; replaces arginine 835 with a stop codon.
Molecular consequence: nonsense.
Genome position (GRCh38, 1-based): chr2:166,278,154, G>A on the plus strand (C>T on the coding strand, the complement: SCN9A is on the minus strand). VCF-style: chr2-166278154-G-A. GRCh37 (hg19) VCF-style: chr2-167134664-G-A.
Other names: c.2470C>T, p.Arg824Ter (NM_002977.4); short protein forms R824*, R835*.
Identifiers: ClinVar variation 653136 (VCV000653136.7), dbSNP rs1329907808, ClinGen allele CA349078196.

ClinVar aggregate classification (germline): Pathogenic (1 of 4 stars; one submission).

Conditions:
Neuropathy, hereditary sensory and autonomic, type 2A (HSAN2A). Also called: MORVAN DISEASE; NEUROPATHY, CONGENITAL SENSORY; NEUROPATHY, HEREDITARY SENSORY RADICULAR, AUTOSOMAL RECESSIVE; NEUROPATHY, HEREDITARY SENSORY, TYPE IIA; NEUROPATHY, PROGRESSIVE SENSORY, OF CHILDREN; WNK1-Related HSAN2 (HSAN2A). Identifiers: Orphanet 970, MedGen C2752089, MONDO:0024309, OMIM 201300.
Generalized epilepsy with febrile seizures plus, type 7 (GEFSP7). Also called: GEFS+, TYPE 7. Identifiers: Orphanet 36387, MedGen C2751778, MONDO:0013470, OMIM 613863.

Allele frequency attached by ClinVar (database versions not stated): TOPMed below 0.00001; gnomAD 0.00001; gnomAD exomes 0.00001.
gnomAD v4.1: 8 of 1,611,846 alleles (0.0005%); highest among the groups gnomAD compares: African/African-American, 0.0013%; no homozygotes.

Submission:

Labcorp Genetics (formerly Invitae), Labcorp
Classification: Pathogenic for Neuropathy, hereditary sensory and autonomic, type 2A; Generalized epilepsy with febrile seizures plus, type 7. Last evaluated: 2024-04-23. Review status: criteria provided, single submitter. Criteria: Invitae Variant Classification Sherloc (09022015). Collection method: clinical testing. Allele origin: germline.
Comment: This sequence change creates a premature translational stop signal (p.Arg824*) in the SCN9A gene. It is expected to result in an absent or disrupted protein product. Loss-of-function variants in SCN9A are known to be pathogenic (PMID: 17470132, 19304393). The frequency data for this variant in the population databases is considered unreliable, as metrics indicate poor data quality at this position in the gnomAD database. This variant has not been reported in the literature in individuals affected with SCN9A-related conditions. ClinVar contains an entry for this variant (Variation ID: 653136). Algorithms developed to predict the effect of sequence changes on RNA splicing suggest that this variant may disrupt the consensus splice site. For these reasons, this variant has been classified as Pathogenic.

Literature cited by the submitters: PubMed 17470132; PubMed 19304393.